The following is an entry in ClinVar:

ClinVar aggregate classification (germline): Uncertain significance. Review status: criteria provided, multiple submitters, no conflicts (2 of 4 stars). 2 submissions from 2 submitters: Uncertain significance (2). Last evaluated 2025-11-17.

Allele frequency attached by ClinVar (database versions not stated): gnomAD 0.00001; gnomAD exomes 0.00001; TOPMed 0.00001; ExAC 0.00002.
gnomAD v4.1: 24 of 1,614,052 alleles (0.0015%); highest among the groups gnomAD compares: Non-Finnish European, 0.0017%; 2 homozygotes.

Submissions (2):

Labcorp Genetics (formerly Invitae), Labcorp
Classification: Uncertain significance. Last evaluated: 2025-11-17. Review status: criteria provided, single submitter. Criteria: Invitae Variant Classification Sherloc (09022015). Collection method: clinical testing. Allele origin: germline.
Comment: This sequence change falls in intron 7 of the ATIC gene. It does not directly change the encoded amino acid sequence of the ATIC protein. It affects a nucleotide within the consensus splice site. This variant is present in population databases (rs778253114, gnomAD 0.005%). This variant has not been reported in the literature in individuals affected with ATIC-related conditions. ClinVar contains an entry for this variant (Variation ID: 2152712). Variants that disrupt the consensus splice site are a relatively common cause of aberrant splicing (PMID: 17576681, 9536098). Algorithms developed to predict the effect of sequence changes on RNA splicing suggest that this variant may disrupt the consensus splice site. In summary, the available evidence is currently insufficient to determine the role of this variant in disease. Therefore, it has been classified as a Variant of Uncertain Significance.

Women's Health and Genetics/Laboratory Corporation of America, LabCorp
Classification: Uncertain significance. Last evaluated: 2023-01-11. Review status: criteria provided, single submitter. Criteria: LabCorp Variant Classification Summary - May 2015. Collection method: clinical testing. Allele origin: germline.
Comment: Variant summary: ATIC c.688+3A>G alters a conserved nucleotide located close to a canonical splice site and therefore could affect mRNA splicing, leading to a significantly altered protein sequence. 4/4 computational tools predict no significant impact on normal splicing. However, these predictions have yet to be confirmed by functional studies. The variant allele was found at a frequency of 2.8e-05 in 251192 control chromosomes. The available data on variant occurrences in the general population are insufficient to allow any conclusion about variant significance. To our knowledge, no occurrence of c.688+3A>G in individuals affected with AICA-Ribosiduria and no experimental evidence demonstrating its impact on protein function have been reported. No clinical diagnostic laboratories have submitted clinical-significance assessments for this variant to ClinVar after 2014. Based on the evidence outlined above, the variant was classified as uncertain significance.

Literature cited by the submitters: PubMed 17576681 (cited by Labcorp Genetics (formerly Invitae), Labcorp); PubMed 9536098 (cited by Labcorp Genetics (formerly Invitae), Labcorp).

NM_004044.7(ATIC):c.688+3A>G

Gene: ATIC (5-aminoimidazole-4-carboxamide ribonucleotide formyltransferase/IMP cyclohydrolase; plus strand). Cytogenetic location: 2q35.
Variant type: single nucleotide variant.
Coding change: c.688+3A>G on transcript NM_004044.7 (MANE Select); 3 bases into the intron after coding-DNA position 688, A replaced by G.
Molecular consequence: intron variant.
Genome position (GRCh38, 1-based): chr2:215,326,981, A>G. VCF-style: chr2-215326981-A-G. GRCh37 (hg19) VCF-style: chr2-216191704-A-G.
Other names: c.688+3A>G (NM_004044.6).
Identifiers: ClinVar variation 2152712 (VCV002152712.7), dbSNP rs778253114, ClinGen allele CA2093040.